The following is an entry in ClinVar:

NM_001385012.1(NBEA):c.6005_6006del (p.Glu2002fs)

Gene: NBEA (neurobeachin; plus strand). Cytogenetic location: 13q13.3.
Variant type: Microsatellite.
Coding change: c.6005_6006del on transcript NM_001385012.1 (MANE Select); coding-DNA positions 6005 to 6006, 2 bases deleted (AG; older notation c.6005_6006delAG).
Protein change: p.Glu2002fs; shifts the reading frame from glutamic acid 2002.
Molecular consequence: frameshift variant.
Genome position (GRCh38, 1-based): chr13:35,349,209-35,349,210, AG deleted; deleting any 2 consecutive bases within chr13:35,349,207-35,349,210 gives the same sequence; the c. name uses the placement nearest the transcript's 3' end. VCF-style (leftmost placement, unchanged base first): chr13-35349206-CAG-C. GRCh37 (hg19) VCF-style: chr13-35923343-CAG-C.
Other names: c.5996_5997del, p.Glu1999fs (NM_001379245.1); c.6005_6006del, p.Glu2002fs (NM_015678.5); short protein forms E1999fs, E2002fs.
Identifiers: ClinVar variation 973250 (VCV000973250.5), dbSNP rs2040043095, ClinGen allele CA2084182092.

ClinVar aggregate classification (germline): Uncertain significance (1 of 4 stars; one submission).

Conditions:
Intellectual disability and seizures. Identifiers: MedGen CN231403.

Submission:

Institute for Genomic Medicine (IGM) Clinical Laboratory, Nationwide Children's Hospital
Classification: Uncertain significance for Seizures and intellectual disability. Last evaluated: 2018-08-07. Review status: criteria provided, single submitter. Criteria: ACMG Guidelines, 2015. Collection method: clinical testing. Allele origin: germline. Affected: yes.
Comment: [ACMG/AMP: PM2, PS2_Moderate, PP3] This alteration is absent from or rarely observed in large-scale population databases [PM2], is de novo in origin as it was not detected in the submitted parental specimens (identity confirmed) [PS2_Moderate], is predicted to be damaging by multiple functional prediction tools [PP3].